The following is an entry in ClinVar:

ClinVar aggregate classification (germline): Conflicting classifications of pathogenicity. Review status: criteria provided, conflicting classifications (1 of 4 stars). 7 submissions from 7 submitters: Uncertain significance (6); Likely benign (1). Last evaluated 2026-08-28.

Conditions:
ATM-related disorder. Also called: ATM-related disorders; ATM-related condition.
Hereditary cancer-predisposing syndrome. Also called: Neoplastic Syndromes, Hereditary; Hereditary Cancer Syndrome; Tumor predisposition; Hereditary neoplastic syndrome. Identifiers: Orphanet 140162, MedGen C0027672, MeSH D009386, MONDO:0015356.
Familial cancer of breast. Also called: BREAST CANCER, FAMILIAL; Hereditary breast cancer; hereditary breast carcinoma. Identifiers: Orphanet 227535, MedGen C0346153, MONDO:0016419, OMIM 114480. Disease mechanism: loss of function.
Ataxia-telangiectasia syndrome (AT). Also called: Ataxia-telangiectasia, complementation group D; Ataxia-telangiectasia, complementation group E; LOUIS-BAR SYNDROME; Cerebello-oculocutaneous telangiectasia; Immunodeficiency with ataxia telangiectasia; AT, COMPLEMENTATION GROUP C. Identifiers: Orphanet 100, MedGen C0004135, MONDO:0008840, OMIM 208900.

Allele frequency attached by ClinVar (database versions not stated): gnomAD exomes below 0.00001 and 0.00001; TOPMed below 0.00001; ExAC 0.00001; gnomAD 0.00001.
gnomAD v4.1: 4 of 1,613,972 alleles (0.00025%); highest among the groups gnomAD compares: African/African-American, 0.0027%; no homozygotes.

Submissions (7):

PreventionGenetics, part of Exact Sciences
Classification: Uncertain significance for ATM-related condition. Last evaluated: 2026-08-28. Review status: criteria provided, single submitter. Criteria: ACMG Guidelines, 2015. Collection method: clinical testing. Allele origin: germline.
Comment: The ATM c.4975A>G variant is predicted to result in the amino acid substitution p.Ile1659Val. This variant has been reported in an individual with breast cancer (Paglia et al. 2009. PubMed ID: 19404735). This variant is reported in 0.0080% of alleles in individuals of European (Finnish) descent in gnomAD and has conflicting interpretations of uncertain significance and likely benign in ClinVar (Variation ID: 479007). At this time, the clinical significance of this variant is uncertain due to the absence of conclusive functional and genetic evidence.

Labcorp Genetics (formerly Invitae), Labcorp
Classification: Uncertain significance for Ataxia-telangiectasia syndrome. Last evaluated: 2025-01-30. Review status: criteria provided, single submitter. Criteria: Invitae Variant Classification Sherloc (09022015). Collection method: clinical testing. Allele origin: germline.
Comment: This sequence change replaces isoleucine, which is neutral and non-polar, with valine, which is neutral and non-polar, at codon 1659 of the ATM protein (p.Ile1659Val). This variant is present in population databases (rs778632065, gnomAD 0.008%). This missense change has been observed in individual(s) with breast cancer (PMID: 19404735). ClinVar contains an entry for this variant (Variation ID: 479007). Invitae Evidence Modeling of protein sequence and biophysical properties (such as structural, functional, and spatial information, amino acid conservation, physicochemical variation, residue mobility, and thermodynamic stability) indicates that this missense variant is not expected to disrupt ATM protein function with a negative predictive value of 95%. In summary, the available evidence is currently insufficient to determine the role of this variant in disease. Therefore, it has been classified as a Variant of Uncertain Significance.

Baylor Genetics
Classification: Uncertain significance for Familial cancer of breast. Last evaluated: 2023-10-08. Review status: criteria provided, single submitter. Criteria: ACMG Guidelines, 2015. Collection method: clinical testing. Allele origin: unknown.

MGZ Medical Genetics Center
Classification: Uncertain significance for Familial cancer of breast. Last evaluated: 2022-02-11. Review status: criteria provided, single submitter. Criteria: ACMG Guidelines, 2015. Collection method: clinical testing. Allele origin: germline. Affected: yes. Observed: 1 variant allele.
Comment: ACMG criteria applied: PS4_SUP, PM2_SUP, BP4

Institute for Clinical Genetics, University Hospital TU Dresden, University Hospital TU Dresden
Classification: Uncertain significance. Last evaluated: 2021-11-03. Review status: criteria provided, single submitter. Criteria: ACMG Guidelines, 2015. Collection method: clinical testing. Allele origin: germline.

GeneDx
Classification: Uncertain significance. Last evaluated: 2021-04-26. Review status: criteria provided, single submitter. Criteria: GeneDx Variant Classification Process June 2021. Collection method: clinical testing. Allele origin: germline. Affected: yes.
Comment: Not observed at a significant frequency in large population cohorts (Lek 2016); In silico analysis supports that this missense variant does not alter protein structure/function; This variant is associated with the following publications: (PMID: 29522266, 19404735)

Ambry Genetics
Classification: Likely benign for Hereditary cancer-predisposing syndrome. Last evaluated: 2017-08-28. Review status: criteria provided, single submitter. Criteria: Ambry Variant Classification Scheme 2023. Collection method: clinical testing. Allele origin: germline.

Literature cited by the submitters: PubMed 19404735 (cited by Labcorp Genetics (formerly Invitae), Labcorp and Ambry Genetics).

NM_000051.4(ATM):c.4975A>G (p.Ile1659Val)

Gene: ATM (ATM serine/threonine kinase; plus strand). Cytogenetic location: 11q22.3.
Variant type: single nucleotide variant.
Coding change: c.4975A>G on transcript NM_000051.4 (MANE Select); coding-DNA position 4975, A replaced by G.
Protein change: p.Ile1659Val; replaces isoleucine 1659 with valine.
Molecular consequence: missense variant.
Genome position (GRCh38, 1-based): chr11:108,297,352, A>G. VCF-style: chr11-108297352-A-G. GRCh37 (hg19) VCF-style: chr11-108168079-A-G.
Other names: c.4975A>G, p.Ile1659Val (NM_001351834.2); short protein forms I1659V.
Identifiers: ClinVar variation 479007 (VCV000479007.22), dbSNP rs778632065, ClinGen allele CA6265589.
Genomic context (GRCh38, chr11:108,297,352, plus strand): 5'-CCGCAAGATGGGATTATGGTGAAACTAGTTGTCAATTTGTTGCAGTTATCCAAGATGGCA[A>G]TAAACCACACTGGTGAAAAAGAAGTTCTAGGTAAACTACAGTCATGCGCTGCGTGACATT-3'
Protein context (NP_000042.3, residues 1649-1669): VNLLQLSKMA[Ile1659Val]NHTGEKEVLE